The following is an entry in ClinVar:

ClinVar aggregate classification (germline): Uncertain significance (1 of 4 stars; one submission).

Conditions:
Primary ciliary dyskinesia. Also called: Ciliary dyskinesia. Identifiers: Orphanet 244, MedGen C0008780, MONDO:0016575, HP:0012265.

Submission:

Ambry Genetics
Classification: Uncertain significance for Primary ciliary dyskinesia. Last evaluated: 2022-05-11. Review status: criteria provided, single submitter. Criteria: Ambry Variant Classification Scheme 2023. Collection method: clinical testing. Allele origin: germline.
Comment: The p.D2226H variant (also known as c.6676G>C), located in coding exon 40 of the DNAH11 gene, results from a G to C substitution at nucleotide position 6676. The aspartic acid at codon 2226 is replaced by histidine, an amino acid with similar properties. This amino acid position is conserved. In addition, this alteration is predicted to be deleterious by in silico analysis. Since supporting evidence is limited at this time, the clinical significance of this alteration remains unclear.

NM_001277115.2(DNAH11):c.6676G>C (p.Asp2226His)

Gene: DNAH11 (dynein axonemal heavy chain 11; plus strand). Cytogenetic location: 7p15.3.
Variant type: single nucleotide variant.
Coding change: c.6676G>C on transcript NM_001277115.2 (MANE Select); coding-DNA position 6676, G replaced by C.
Protein change: p.Asp2226His; replaces aspartic acid 2226 with histidine.
Molecular consequence: missense variant.
Genome position (GRCh38, 1-based): chr7:21,707,828, G>C. VCF-style: chr7-21707828-G-C. GRCh37 (hg19) VCF-style: chr7-21747446-G-C.
Other names: c.6697G>C, p.Asp2233His (NM_003777.3); short protein forms D2226H, D2233H.
Identifiers: ClinVar variation 1754818 (VCV001754818.2), dbSNP rs2534977226, ClinGen allele CA366939132.